The following is an entry in ClinVar:

NM_205834.4(LSR):c.778C>T (p.Leu260=)

Gene: LSR (lipolysis stimulated lipoprotein receptor; plus strand). Cytogenetic location: 19q13.12.
Variant type: single nucleotide variant.
Coding change: c.778C>T on transcript NM_205834.4 (MANE Select); coding-DNA position 778, C replaced by T.
Protein change: p.Leu260=; no amino-acid change (leucine 260 retained).
Molecular consequence: synonymous variant. On other transcripts: intron variant (3).
Genome position (GRCh38, 1-based): chr19:35,262,692, C>T. VCF-style: chr19-35262692-C-T. GRCh37 (hg19) VCF-style: chr19-35753595-C-T.
Other names: c.721C>T, p.Leu241= (NM_001260489.2, NM_015925.7); c.574+3628C>T (NM_205835.4, NM_001385215.1); c.455-3667C>T (NM_001260490.2).
Identifiers: ClinVar variation 3705401 (VCV003705401.2).

ClinVar aggregate classification (germline): Uncertain significance (1 of 4 stars; one submission).

gnomAD v4.1: 70 of 1,613,058 alleles (0.0043%); highest among the groups gnomAD compares: Admixed American, 0.058%; no homozygotes.

Submission:

Labcorp Genetics (formerly Invitae), Labcorp
Classification: Uncertain significance. Last evaluated: 2024-12-04. Review status: criteria provided, single submitter. Criteria: Invitae Variant Classification Sherloc (09022015). Collection method: clinical testing. Allele origin: germline.
Comment: This sequence change affects codon 308 of the LSR mRNA. It is a 'silent' change, meaning that it does not change the encoded amino acid sequence of the LSR protein. It affects a nucleotide within the consensus splice site. This variant is present in population databases (rs192091396, gnomAD 0.04%). This variant has not been reported in the literature in individuals affected with LSR-related conditions. Algorithms developed to predict the effect of sequence changes on RNA splicing suggest that this variant is not likely to affect RNA splicing. In summary, the available evidence is currently insufficient to determine the role of this variant in disease. Therefore, it has been classified as a Variant of Uncertain Significance.